The following is an entry in ClinVar:

ClinVar aggregate classification (germline): Pathogenic (1 of 4 stars; one submission).

Conditions:
Autosomal recessive limb-girdle muscular dystrophy type R18 (LGMDR18). Also called: Limb-girdle muscular dystrophy, type 2S; MUSCULAR DYSTROPHY, LIMB-GIRDLE, AUTOSOMAL RECESSIVE 18; Autosomal recessive limb-girdle muscular dystrophy type 2S. Identifiers: Orphanet 369840, MedGen C4517996, MONDO:0014144, OMIM 615356.

Submission:

Labcorp Genetics (formerly Invitae), Labcorp
Classification: Pathogenic for Autosomal recessive limb-girdle muscular dystrophy type R18. Last evaluated: 2023-05-21. Review status: criteria provided, single submitter. Criteria: Invitae Variant Classification Sherloc (09022015). Collection method: clinical testing. Allele origin: germline.
Comment: For these reasons, this variant has been classified as Pathogenic. This variant has not been reported in the literature in individuals affected with TRAPPC11-related conditions. This variant is not present in population databases (gnomAD no frequency). This sequence change creates a premature translational stop signal (p.Asn242Metfs*3) in the TRAPPC11 gene. It is expected to result in an absent or disrupted protein product. Loss-of-function variants in TRAPPC11 are known to be pathogenic (PMID: 23830518, 26322222).

Literature cited by the submitters: PubMed 23830518; PubMed 26322222.

NM_021942.6(TRAPPC11):c.725del (p.Asn242fs)

Gene: TRAPPC11 (trafficking protein particle complex subunit 11; plus strand). Cytogenetic location: 4q35.1.
Variant type: Deletion.
Coding change: c.725del on transcript NM_021942.6 (MANE Select); coding-DNA position 725, one base deleted (A; older notation c.725delA).
Protein change: p.Asn242fs; shifts the reading frame from asparagine 242.
Molecular consequence: frameshift variant.
Genome position (GRCh38, 1-based): chr4:183,675,228, A deleted; the last of 4 consecutive A bases (chr4:183,675,225-183,675,228); deleting any one gives the same sequence. VCF-style (leftmost placement, unchanged base first): chr4-183675224-CA-C. GRCh37 (hg19) VCF-style: chr4-184596377-CA-C.
Other names: c.725del, p.Asn242fs (NM_199053.3); short protein forms N242fs.
Identifiers: ClinVar variation 2858941 (VCV002858941.3), dbSNP rs2476829947, ClinGen allele CA2672788893.